The following is an entry in ClinVar:

NM_018911.3(PCDHA8):c.2394+48G>A

Genes: PCDHA1 (protocadherin alpha 1; plus strand), PCDHA2 (protocadherin alpha 2; plus strand), PCDHA3 (protocadherin alpha 3; plus strand), PCDHA4 (protocadherin alpha 4; plus strand), PCDHA5 (protocadherin alpha 5; plus strand) and 4 more. Cytogenetic location: 5q31.3.
Variant type: single nucleotide variant.
Coding change: c.2394+48G>A on transcript NM_018911.3 (MANE Select); 48 bases into the intron after coding-DNA position 2394, G replaced by A.
Molecular consequence: intron variant. On other transcripts: synonymous variant (1).
Genome position (GRCh38, 1-based): chr5:140,843,763, G>A. VCF-style: chr5-140843763-G-A. GRCh37 (hg19) VCF-style: chr5-140223348-G-A.
Other names: c.2442G>A, p.Leu814= (NM_031856.2); c.2394+55079G>A (NM_018900.4); c.1602+55871G>A (NM_031411.3); c.2388+46411G>A (NM_018905.3); c.2394+40172G>A (NM_018906.3); c.2385+34191G>A (NM_018907.4); c.2352+19636G>A (NM_018908.3); c.2394+13278G>A (NM_018909.4); and 2 more.
Identifiers: ClinVar variation 3239050 (VCV003239050.17), dbSNP rs782282230.

ClinVar aggregate classification (germline): Likely benign (1 of 4 stars; one submission).

Allele frequency attached by ClinVar (database versions not stated): TOPMed below 0.00001; gnomAD 0.00001.
gnomAD v4.1: 78 of 1,492,498 alleles (0.0052%); highest among the groups gnomAD compares: Middle Eastern, 0.18%; 4 homozygotes.

Submission:

CeGaT Center for Human Genetics Tuebingen
Classification: Likely benign. Last evaluated: 2024-05-01. Review status: criteria provided, single submitter. Criteria: CeGaT Center For Human Genetics Tuebingen Variant Classification Criteria Version 2. Collection method: clinical testing. Allele origin: germline. Affected: yes. Observed: 1 variant allele.
Comment: PCDHA8: BP4, BP7